The following is an entry in ClinVar:

ClinVar aggregate classification (germline): Uncertain significance (1 of 4 stars; one submission).

Allele frequency attached by ClinVar (database versions not stated): gnomAD 0.00001.
gnomAD v4.1: 1 of 1,609,986 alleles (0.000062%); highest among the groups gnomAD compares: Non-Finnish European, 0.000085%; no homozygotes.

Submission:

Labcorp Genetics (formerly Invitae), Labcorp
Classification: Uncertain significance. Last evaluated: 2022-03-11. Review status: criteria provided, single submitter. Criteria: Invitae Variant Classification Sherloc (09022015). Collection method: clinical testing. Allele origin: germline.
Comment: In summary, the available evidence is currently insufficient to determine the role of this variant in disease. Therefore, it has been classified as a Variant of Uncertain Significance. Advanced modeling of protein sequence and biophysical properties (such as structural, functional, and spatial information, amino acid conservation, physicochemical variation, residue mobility, and thermodynamic stability) performed at Invitae indicates that this missense variant is not expected to disrupt CACNA1B protein function. This variant has not been reported in the literature in individuals affected with CACNA1B-related conditions. This variant is present in population databases (rs762681700, gnomAD 0.0008%). This sequence change replaces proline, which is neutral and non-polar, with leucine, which is neutral and non-polar, at codon 1178 of the CACNA1B protein (p.Pro1178Leu).

NM_000718.4(CACNA1B):c.3533C>T (p.Pro1178Leu)

Gene: CACNA1B (calcium voltage-gated channel subunit alpha1 B; plus strand). Cytogenetic location: 9q34.3.
Variant type: single nucleotide variant.
Coding change: c.3533C>T on transcript NM_000718.4 (MANE Select); coding-DNA position 3533, C replaced by T.
Protein change: p.Pro1178Leu; replaces proline 1178 with leucine.
Molecular consequence: missense variant.
Genome position (GRCh38, 1-based): chr9:138,047,023, C>T. VCF-style: chr9-138047023-C-T. GRCh37 (hg19) VCF-style: chr9-140941475-C-T.
Other names: c.3533C>T, p.Pro1178Leu (NM_001243812.2); short protein forms P1178L.
Identifiers: ClinVar variation 2108977 (VCV002108977.4), dbSNP rs762681700, ClinGen allele CA5376711.